The following is an entry in ClinVar:

ClinVar aggregate classification (germline): Uncertain significance (1 of 4 stars; one submission).

Conditions:
MAP1B-related disorder. Also called: MAP1B-related condition.

Allele frequency attached by ClinVar (database versions not stated): ExAC 0.00001.

Submission:

PreventionGenetics, part of Exact Sciences
Classification: Uncertain significance for MAP1B-related condition. Last evaluated: 2022-10-05. Review status: criteria provided, single submitter. Criteria: ACMG Guidelines, 2015. Collection method: clinical testing. Allele origin: germline.
Comment: The MAP1B c.5070T>G variant is predicted to result in the amino acid substitution p.Ser1690Arg. To our knowledge, this variant has not been reported in the literature. This variant is reported in 0.00088% of alleles in individuals of European (Non-Finnish) descent in gnomAD. At this time, the clinical significance of this variant is uncertain due to the absence of conclusive functional and genetic evidence.

NM_005909.5(MAP1B):c.5070T>G (p.Ser1690Arg)

Gene: MAP1B (microtubule associated protein 1B; plus strand). Cytogenetic location: 5q13.2.
Variant type: single nucleotide variant.
Coding change: c.5070T>G on transcript NM_005909.5 (MANE Select); coding-DNA position 5070, T replaced by G.
Protein change: p.Ser1690Arg; replaces serine 1690 with arginine.
Molecular consequence: missense variant.
Genome position (GRCh38, 1-based): chr5:72,198,425, T>G. VCF-style: chr5-72198425-T-G. GRCh37 (hg19) VCF-style: chr5-71494252-T-G.
Other names: c.4692T>G, p.Ser1564Arg (NM_001324255.2); short protein forms S1564R, S1690R.
Identifiers: ClinVar variation 2637213 (VCV002637213.1), dbSNP rs756894597, ClinGen allele CA3299254.